The following is an entry in ClinVar:

ClinVar aggregate classification (germline): Conflicting classifications of pathogenicity. Review status: criteria provided, conflicting classifications (1 of 4 stars). 9 submissions from 9 submitters: Uncertain significance (4); Likely benign (2). 3 of the submissions do not count toward it. Last evaluated 2026-06-10.

Conditions:
Hypochondroplasia (HCH). Identifiers: Orphanet 429, MedGen C0410529, MONDO:0007793, OMIM 146000. Disease mechanism: gain of function.
FGFR3-related disorder. Also called: FGFR3-related disorders.
Inborn genetic diseases. Identifiers: MedGen C0950123, MeSH D030342.

Allele frequency attached by ClinVar (database versions not stated): gnomAD 0.00001; gnomAD exomes 0.00004 and 0.00007; TOPMed 0.00005; ExAC 0.00007; 1000 Genomes Project 0.00020; 1000 Genomes Project 30x 0.00031.
gnomAD v4.1: 56 of 1,552,604 alleles (0.0036%); highest among the groups gnomAD compares: Middle Eastern, 0.033%; no homozygotes.

Submissions (9):

PreventionGenetics, part of Exact Sciences
Classification: Uncertain significance for FGFR3-related condition. Last evaluated: 2026-06-10. Review status: criteria provided, single submitter. Criteria: ACMG Guidelines, 2015. Collection method: clinical testing. Allele origin: germline.
Comment: The FGFR3 c.514G>A variant is predicted to result in the amino acid substitution p.Val172Ile. To our knowledge, this variant has not been reported in the literature. This variant is reported in 0.018% of alleles in individuals of East Asian descent in gnomAD. At this time, the clinical significance of this variant is uncertain due to the absence of conclusive functional and genetic evidence.

Women's Health and Genetics/Laboratory Corporation of America, LabCorp
Classification: Uncertain significance. Last evaluated: 2026-06-03. Review status: criteria provided, single submitter. Criteria: LabCorp Variant Classification Summary - May 2015. Collection method: clinical testing. Allele origin: germline.
Comment: Variant summary: FGFR3 c.514G>A (p.Val172Ile) results in a conservative amino acid change in the encoded protein sequence. Algorithms developed to predict the effect of missense changes on protein structure and function are either unavailable or do not agree on the potential impact of this missense change. The variant allele was found at a frequency of 6.7e-05 in 149864 control chromosomes. This frequency is not significantly higher than estimated for disease-causing variants in FGFR3, allowing no conclusion about variant significance. To our knowledge, no occurrence of c.514G>A in individuals affected with FGFR3-related conditions and no experimental evidence demonstrating its impact on protein function have been reported. ClinVar contains an entry for this variant (Variation ID: 802048). Based on the evidence outlined above, the variant was classified as uncertain significance.

Labcorp Genetics (formerly Invitae), Labcorp
Classification: Uncertain significance. Last evaluated: 2025-09-27. Review status: criteria provided, single submitter. Criteria: Invitae Variant Classification Sherloc (09022015). Collection method: clinical testing. Allele origin: germline.
Comment: This sequence change replaces valine, which is neutral and non-polar, with isoleucine, which is neutral and non-polar, at codon 172 of the FGFR3 protein (p.Val172Ile). The frequency data for this variant in the population databases is considered unreliable, as metrics indicate poor data quality at this position in the gnomAD database. This variant has not been reported in the literature in individuals affected with FGFR3-related conditions. ClinVar contains an entry for this variant (Variation ID: 802048). Invitae Evidence Modeling of protein sequence and biophysical properties (such as structural, functional, and spatial information, amino acid conservation, physicochemical variation, residue mobility, and thermodynamic stability) has been performed for this missense variant. However, the output from this modeling did not meet the statistical confidence thresholds required to predict the impact of this variant on FGFR3 protein function. In summary, the available evidence is currently insufficient to determine the role of this variant in disease. Therefore, it has been classified as a Variant of Uncertain Significance.

Blueprint Genetics
Classification: Likely benign. Last evaluated: 2023-10-09. Review status: criteria provided, single submitter. Criteria: ACMG Guidelines, 2015. Collection method: clinical testing. Allele origin: germline.

Ambry Genetics
Classification: Uncertain significance for Inborn genetic diseases. Last evaluated: 2021-07-19. Review status: criteria provided, single submitter. Criteria: Ambry Variant Classification Scheme 2023. Collection method: clinical testing. Allele origin: germline.

Mendelics
Classification: Likely benign for Hypochondroplasia. Last evaluated: 2019-05-28. Review status: criteria provided, single submitter. Criteria: Mendelics Assertion Criteria 2017. Collection method: clinical testing. Allele origin: unknown.

Genome Diagnostics Laboratory, Amsterdam University Medical Center
Classification: Likely benign. Review status: no assertion criteria provided. Collection method: clinical testing. Allele origin: germline. Affected: yes. Study: VKGL Data-share Consensus. Not counted in ClinVar's aggregate classification.

Joint Genome Diagnostic Labs from Nijmegen and Maastricht, Radboudumc and MUMC+
Classification: Likely benign. Review status: no assertion criteria provided. Collection method: clinical testing. Allele origin: germline. Affected: yes. Study: VKGL Data-share Consensus. Not counted in ClinVar's aggregate classification.

Laboratory of Diagnostic Genome Analysis, Leiden University Medical Center (LUMC)
Classification: Likely benign. Review status: no assertion criteria provided. Collection method: clinical testing. Allele origin: germline. Affected: yes. Study: VKGL Data-share Consensus. Not counted in ClinVar's aggregate classification.

NM_000142.5(FGFR3):c.514G>A (p.Val172Ile)

Gene: FGFR3 (fibroblast growth factor receptor 3; plus strand). Cytogenetic location: 4p16.3.
Variant type: single nucleotide variant.
Coding change: c.514G>A on transcript NM_000142.5 (MANE Select); coding-DNA position 514, G replaced by A.
Protein change: p.Val172Ile; replaces valine 172 with isoleucine.
Molecular consequence: missense variant. On other transcripts: non-coding transcript variant (1).
Genome position (GRCh38, 1-based): chr4:1,801,435, G>A. VCF-style: chr4-1801435-G-A. GRCh37 (hg19) VCF-style: chr4-1803162-G-A.
Other names: c.514G>A, p.Val172Ile (NM_001163213.2, NM_001354809.2, NM_001354810.2 and 1 more transcripts); c.514G>A (NM_000142.4); short protein forms V172I.
Identifiers: ClinVar variation 802048 (VCV000802048.14), dbSNP rs529408918, ClinGen allele CA2809862.
Genomic context (GRCh38, chr4:1,801,435, plus strand): 5'-TACTGGACACGGCCCGAGCGGATGGACAAGAAGCTGCTGGCCGTGCCGGCCGCCAACACC[G>A]TCCGCTTCCGCTGCCCAGCCGCTGGCAACCCCACTCCCTCCATCTCCTGGCTGAAGAACG-3'
Protein context (NP_000133.1, residues 162-182): KLLAVPAANT[Val172Ile]RFRCPAAGNP